The following is an entry in ClinVar:

NM_000159.4(GCDH):c.680G>T (p.Arg227Leu)

Gene: GCDH (glutaryl-CoA dehydrogenase; plus strand). Cytogenetic location: 19p13.13.
Variant type: single nucleotide variant.
Coding change: c.680G>T on transcript NM_000159.4 (MANE Select); coding-DNA position 680, G replaced by T.
Protein change: p.Arg227Leu; replaces arginine 227 with leucine.
Molecular consequence: missense variant. On other transcripts: non-coding transcript variant (2).
Genome position (GRCh38, 1-based): chr19:12,896,249, G>T. VCF-style: chr19-12896249-G-T. GRCh37 (hg19) VCF-style: chr19-13007063-G-T.
Other names: c.680G>T, p.Arg227Leu (NM_013976.5); short protein forms R227L.
Identifiers: ClinVar variation 1498017 (VCV001498017.8), dbSNP rs121434373, ClinGen allele CA404318600.
Genomic context (GRCh38, chr19:12,896,249, plus strand): 5'-ACTGTTCCATCCCCAGGATCACGAACTCGCCTATGGCCGATCTGTTTGTAGTGTGGGCTC[G>T]GTGTGAAGATGGCTGCATTCGGGGCTTCCTGCTGGAGAAGGGGATGCGGGGTCTCTCGGC-3'
Protein context (NP_000150.1, residues 217-237): PMADLFVVWA[Arg227Leu]CEDGCIRGFL

ClinVar aggregate classification (germline): Conflicting classifications of pathogenicity. Review status: criteria provided, conflicting classifications (1 of 4 stars). 2 submissions from 2 submitters: Likely pathogenic (1); Uncertain significance (1). Last evaluated 2025-07-25.

Conditions:
Glutaric aciduria, type 1. Also called: Glutaric Acidemia Type 1; Glutaric acidemia type I; Glutaricacidemia Type 1; GA I; Glutaryl-CoA dehydrogenase deficiency; Glutaricaciduria, type I. Identifiers: Orphanet 25, MedGen C0268595, MONDO:0009281, OMIM 231670.

gnomAD v4.1: 1 of 1,612,350 alleles (0.000062%); highest among the groups gnomAD compares: South Asian, 0.0011%; no homozygotes.

Submissions (2):

Women's Health and Genetics/Laboratory Corporation of America, LabCorp
Classification: Uncertain significance. Last evaluated: 2025-07-25. Review status: criteria provided, single submitter. Criteria: LabCorp Variant Classification Summary - May 2015. Collection method: clinical testing. Allele origin: germline.
Comment: Variant summary: GCDH c.680G>T (p.Arg227Leu) results in a non-conservative amino acid change located in the Acyl-CoA oxidase/dehydrogenase, middle domain (IPR006091) of the encoded protein sequence. Algorithms developed to predict the effect of missense changes on protein structure and function all suggest that this variant is likely to be disruptive. The variant was absent in 251378 control chromosomes. The available data on variant occurrences in the general population are insufficient to allow any conclusion about variant significance. To our knowledge, no occurrence of c.680G>T in individuals affected with Glutaric Acidemia Type 1 and no experimental evidence demonstrating its impact on protein function have been reported. A different variant affecting the same codon has been classified as pathogenic by our lab (c.680G>C, p.Arg227Pro), supporting the critical relevance of codon 227 to GCDH protein function. ClinVar contains an entry for this variant (Variation ID: 1498017). Based on the evidence outlined above, the variant was classified as uncertain significance.

Labcorp Genetics (formerly Invitae), Labcorp
Classification: Likely pathogenic for Glutaric aciduria, type 1. Last evaluated: 2021-08-18. Review status: criteria provided, single submitter. Criteria: Invitae Variant Classification Sherloc (09022015). Collection method: clinical testing. Allele origin: germline.
Comment: This sequence change replaces arginine with leucine at codon 227 of the GCDH protein (p.Arg227Leu). The arginine residue is moderately conserved and there is a moderate physicochemical difference between arginine and leucine. This variant is not present in population databases (ExAC no frequency). In summary, the currently available evidence indicates that the variant is pathogenic, but additional data are needed to prove that conclusively. Therefore, this variant has been classified as Likely Pathogenic. This variant disrupts the p.Arg227 amino acid residue in GCDH. Other variant(s) that disrupt this residue have been determined to be pathogenic (PMID: 9266361, 10066389, 10960496, 11073722, 22728054, 23395213, 28438223). This suggests that this residue is clinically significant, and that variants that disrupt this residue are likely to be disease-causing. Advanced modeling of protein sequence and biophysical properties (such as structural, functional, and spatial information, amino acid conservation, physicochemical variation, residue mobility, and thermodynamic stability) performed at Invitae indicates that this missense variant is expected to disrupt GCDH protein function. This variant has not been reported in the literature in individuals affected with GCDH-related conditions.

Literature cited by the submitters: PubMed 9266361 (cited by Labcorp Genetics (formerly Invitae), Labcorp); PubMed 10066389 (cited by Labcorp Genetics (formerly Invitae), Labcorp); PubMed 10960496 (cited by Labcorp Genetics (formerly Invitae), Labcorp); PubMed 11073722 (cited by Labcorp Genetics (formerly Invitae), Labcorp); PubMed 22728054 (cited by Labcorp Genetics (formerly Invitae), Labcorp); PubMed 23395213 (cited by Labcorp Genetics (formerly Invitae), Labcorp); PubMed 28438223 (cited by Labcorp Genetics (formerly Invitae), Labcorp).